The following is an entry in ClinVar:

ClinVar aggregate classification (germline): Likely pathogenic (1 of 4 stars; one submission).

Conditions:
Dystonia 30. Identifiers: MedGen C5543312, MONDO:0025691, OMIM 619291.

Submission:

Juno Genomics, Hangzhou Juno Genomics, Inc
Classification: Likely pathogenic for Dystonia 30. Review status: criteria provided, single submitter. Criteria: ACMG Guidelines, 2015. Collection method: clinical testing. Allele origin: germline. Affected: yes.
Comment: Absent from controls (or at extremely low frequency if recessive) in Genome Aggregation Database, Exome Sequencing Project, 1000 Genomes Project, or Exome Aggregation Consortium.;Null variant in a gene where loss of function (LOF) is a known mechanism of disease.

NM_022575.4(VPS16):c.1035dup (p.Gly346fs)

Gene: VPS16 (VPS16 core subunit of CORVET and HOPS complexes; plus strand). Cytogenetic location: 20p13.
Variant type: Duplication.
Coding change: c.1035dup on transcript NM_022575.4 (MANE Select); coding-DNA position 1035, one base duplicated (C; older notation c.1035dupC).
Protein change: p.Gly346fs; shifts the reading frame from glycine 346.
Molecular consequence: frameshift variant. On other transcripts: intron variant (1).
Genome position (GRCh38, 1-based): chr20:2,862,094, C duplicated; the last of 5 consecutive C bases (chr20:2,862,090-2,862,094); duplicating any one gives the same sequence. VCF-style (leftmost placement, unchanged base first): chr20-2862089-G-GC. GRCh37 (hg19) VCF-style: chr20-2842735-G-GC.
Other names: c.899+390dup (NM_080413.3); short protein forms G346fs.
Identifiers: ClinVar variation 4531289 (VCV004531289.1).